The following is an entry in ClinVar:

ClinVar aggregate classification (germline): Likely benign. Review status: criteria provided, multiple submitters, no conflicts (2 of 4 stars). 3 submissions from 3 submitters: Likely benign (2). 1 of the submissions does not count toward it. Last evaluated 2025-11-02.

Conditions:
Birt-Hogg-Dube syndrome. Also called: Birt Hogg Dubé syndrome. Identifiers: Orphanet 122, MedGen C0346010, MONDO:0800444.
Birt-Hogg-Dube syndrome 1 (BHD1). Also called: FIBROFOLLICULOMAS WITH TRICHODISCOMAS AND ACROCHORDONS. Identifiers: Orphanet 122, MedGen CN375946, MONDO:0800445, OMIM 135150.
FLCN-related disorder. Also called: FLCN-related condition.

Submissions (3):

Labcorp Genetics (formerly Invitae), Labcorp
Classification: Likely benign for Birt-Hogg-Dube syndrome. Last evaluated: 2025-11-02. Review status: criteria provided, single submitter. Criteria: Invitae Variant Classification Sherloc (09022015). Collection method: clinical testing. Allele origin: germline.

Myriad Genetics, Inc.
Classification: Likely benign for Birt-Hogg-Dube syndrome 1. Last evaluated: 2024-10-24. Review status: criteria provided, single submitter. Criteria: Myriad Autosomal Dominant, Autosomal Recessive and X-Linked Classification Criteria (2023). Collection method: clinical testing. Allele origin: unknown.
Comment: This variant is considered likely benign. This variant is intronic and is not expected to impact mRNA splicing.

PreventionGenetics, part of Exact Sciences
Classification: Likely benign for FLCN-related condition. Last evaluated: 2024-01-30. Review status: no assertion criteria provided. Collection method: clinical testing. Allele origin: germline. Not counted in ClinVar's aggregate classification.
Comment: This variant is classified as likely benign based on ACMG/AMP sequence variant interpretation guidelines (Richards et al. 2015 PMID: 25741868, with internal and published modifications).

NM_144997.7(FLCN):c.1300+9C>T

Gene: FLCN (folliculin; minus strand). Cytogenetic location: 17p11.2.
Variant type: single nucleotide variant.
Coding change: c.1300+9C>T on transcript NM_144997.7 (MANE Select); 9 bases into the intron after coding-DNA position 1300, C replaced by T.
Molecular consequence: intron variant.
Genome position (GRCh38, 1-based): chr17:17,216,371, G>A on the plus strand (C>T on the coding strand, the complement: FLCN is on the minus strand). VCF-style: chr17-17216371-G-A. GRCh37 (hg19) VCF-style: chr17-17119685-G-A.
Other names: c.1300+9C>T (NM_144997.5, NM_001353231.2, NM_001353230.2); c.1354+9C>T (NM_001353229.2).
Identifiers: ClinVar variation 2114078 (VCV002114078.7), dbSNP rs1197783802, ClinGen allele CA2580092716.